The following is an entry in ClinVar:

ClinVar aggregate classification (germline): Uncertain significance. Review status: criteria provided, single submitter (1 of 4 stars). 2 submissions from 2 submitters: Uncertain significance (1). 1 of the submissions does not count toward it. Last evaluated 2023-10-17.

Conditions:
Intellectual disability. Also called: intellectual disabilities; Intellectual developmental disorder; Intellectual functioning disability. Identifiers: MedGen C3714756, MeSH D008607, MONDO:0001071, HP:0001249.

Allele frequency attached by ClinVar (database versions not stated): TOPMed 0.00011; gnomAD exomes 0.00006; ESP Exome Variant Server 0.00008.
gnomAD v4.1: 75 of 1,613,424 alleles (0.0046%); highest among the groups gnomAD compares: South Asian, 0.03%; 1 homozygote.

Submissions (2):

Labcorp Genetics (formerly Invitae), Labcorp
Classification: Uncertain significance. Last evaluated: 2023-10-17. Review status: criteria provided, single submitter. Criteria: Invitae Variant Classification Sherloc (09022015). Collection method: clinical testing. Allele origin: germline.
Comment: This sequence change replaces threonine, which is neutral and polar, with methionine, which is neutral and non-polar, at codon 1897 of the DOCK6 protein (p.Thr1897Met). The frequency data for this variant in the population databases is considered unreliable, as metrics indicate poor data quality at this position in the gnomAD database. This variant has not been reported in the literature in individuals affected with DOCK6-related conditions. ClinVar contains an entry for this variant (Variation ID: 975217). Algorithms developed to predict the effect of missense changes on protein structure and function output the following: SIFT: "Not Available"; PolyPhen-2: "Benign"; Align-GVGD: "Not Available". The methionine amino acid residue is found in multiple mammalian species, which suggests that this missense change does not adversely affect protein function. In summary, the available evidence is currently insufficient to determine the role of this variant in disease. Therefore, it has been classified as a Variant of Uncertain Significance.

Centre de Biologie Pathologie Génétique, Centre Hospitalier Universitaire de Lille
Classification: Likely benign for Intellectual disability. Last evaluated: 2019-01-01. Review status: no assertion criteria provided. Collection method: clinical testing. Allele origin: inherited. Affected: yes. Not counted in ClinVar's aggregate classification.

NM_020812.4(DOCK6):c.5690C>T (p.Thr1897Met)

Gene: DOCK6 (dedicator of cytokinesis 6; minus strand). Cytogenetic location: 19p13.2.
Variant type: single nucleotide variant.
Coding change: c.5690C>T on transcript NM_020812.4 (MANE Select); coding-DNA position 5690, C replaced by T.
Protein change: p.Thr1897Met; replaces threonine 1897 with methionine.
Molecular consequence: missense variant.
Genome position (GRCh38, 1-based): chr19:11,201,051, G>A on the plus strand (C>T on the coding strand, the complement: DOCK6 is on the minus strand). VCF-style: chr19-11201051-G-A. GRCh37 (hg19) VCF-style: chr19-11311727-G-A.
Other names: c.5795C>T, p.Thr1932Met (NM_001367830.1); short protein forms T1897M, T1932M.
Identifiers: ClinVar variation 975217 (VCV000975217.4), dbSNP rs371203988, ClinGen allele CA9206365.